The following is an entry in ClinVar:

NM_012330.4(KAT6B):c.2772C>G (p.Ile924Met)

Gene: KAT6B (lysine acetyltransferase 6B; plus strand). Cytogenetic location: 10q22.2.
Variant type: single nucleotide variant.
Coding change: c.2772C>G on transcript NM_012330.4 (MANE Select); coding-DNA position 2772, C replaced by G.
Protein change: p.Ile924Met; replaces isoleucine 924 with methionine.
Molecular consequence: missense variant.
Genome position (GRCh38, 1-based): chr10:75,020,724, C>G. VCF-style: chr10-75020724-C-G. GRCh37 (hg19) VCF-style: chr10-76780482-C-G.
Other names: c.2223C>G, p.Ile741Met (NM_001256468.2, NM_001370138.1); c.1896C>G, p.Ile632Met (NM_001256469.2, NM_001370139.1, NM_001370140.1 and 2 more transcripts); c.1734C>G, p.Ile578Met (NM_001370132.1); c.1083C>G, p.Ile361Met (NM_001370133.1); c.687C>G, p.Ile229Met (NM_001370134.1); c.429C>G, p.Ile143Met (NM_001370135.1); c.2772C>G, p.Ile924Met (NM_001370136.1, NM_001370137.1); c.1707C>G, p.Ile569Met (NM_001370143.1, NM_001370144.1); short protein forms I143M, I229M, I361M, I569M, I578M, I632M, I741M, I924M.
Identifiers: ClinVar variation 3367721 (VCV003367721.1).
Genomic context (GRCh38, chr10:75,020,724, plus strand): 5'-ATATTGGAAGAGCGTCATCTTGGAGTATCTCTACCACCACCATGAGAGGCACATCAGCAT[C>G]AAGGCAATTAGCAGAGCGACGGGCATGTGCCCACATGACATTGCCACCACTCTGCAGCAC-3'
Protein context (NP_036462.2, residues 914-934): LYHHHERHIS[Ile924Met]KAISRATGMC

ClinVar aggregate classification (germline): Uncertain significance (1 of 4 stars; one submission).

Submission:

GeneDx
Classification: Uncertain significance. Last evaluated: 2024-01-10. Review status: criteria provided, single submitter. Criteria: GeneDx Variant Classification Process June 2021. Collection method: clinical testing. Allele origin: germline. Affected: yes.
Comment: Not observed at significant frequency in large population cohorts (gnomAD); In silico analysis supports that this missense variant has a deleterious effect on protein structure/function; Has not been previously published as pathogenic or benign to our knowledge